The following is an entry in ClinVar:

NM_000051.4(ATM):c.6365C>T (p.Thr2122Ile)

Genes: ATM (ATM serine/threonine kinase; plus strand), C11orf65 (chromosome 11 open reading frame 65; minus strand). Cytogenetic location: 11q22.3.
Variant type: single nucleotide variant.
Coding change: c.6365C>T on transcript NM_000051.4 (MANE Select); coding-DNA position 6365, C replaced by T.
Protein change: p.Thr2122Ile; replaces threonine 2122 with isoleucine.
Molecular consequence: missense variant. On other transcripts: intron variant (2).
Genome position (GRCh38, 1-based): chr11:108,319,971, C>T. VCF-style: chr11-108319971-C-T. GRCh37 (hg19) VCF-style: chr11-108190698-C-T.
Other names: c.6365C>T, p.Thr2122Ile (NM_001351834.2); c.641-10900G>A (NM_001330368.2); c.*39-10900G>A (NM_001351110.2); short protein forms T2122I.
Identifiers: ClinVar variation 2125874 (VCV002125874.1), dbSNP rs1555116369, ClinGen allele CA382553217.

ClinVar aggregate classification (germline): Uncertain significance (1 of 4 stars; one submission).

Conditions:
Ataxia-telangiectasia syndrome (AT). Also called: ATAXIA-TELANGIECTASIA, COMPLEMENTATION GROUP A; ATAXIA-TELANGIECTASIA, FRESNO VARIANT; Ataxia-telangiectasia; Ataxia-telangiectasia, complementation group E; LOUIS-BAR SYNDROME; Cerebello-oculocutaneous telangiectasia. Identifiers: Orphanet 100, MedGen C0004135, MONDO:0008840, OMIM 208900.

Submission:

Labcorp Genetics (formerly Invitae), Labcorp
Classification: Uncertain significance for Ataxia-telangiectasia syndrome. Last evaluated: 2022-04-13. Review status: criteria provided, single submitter. Criteria: Invitae Variant Classification Sherloc (09022015). Collection method: clinical testing. Allele origin: germline.
Comment: This sequence change replaces threonine, which is neutral and polar, with isoleucine, which is neutral and non-polar, at codon 2122 of the ATM protein (p.Thr2122Ile). This variant is not present in population databases (gnomAD no frequency). This variant has not been reported in the literature in individuals affected with ATM-related conditions. Advanced modeling of protein sequence and biophysical properties (such as structural, functional, and spatial information, amino acid conservation, physicochemical variation, residue mobility, and thermodynamic stability) performed at Invitae indicates that this missense variant is not expected to disrupt ATM protein function. In summary, the available evidence is currently insufficient to determine the role of this variant in disease. Therefore, it has been classified as a Variant of Uncertain Significance.